The following is an entry in ClinVar:

NM_001346754.2(PIGW):c.1115_1121del (p.Ala372fs)

Genes: MYO19 (myosin XIX; minus strand), PIGW (phosphatidylinositol glycan anchor biosynthesis class W; plus strand). Cytogenetic location: 17q12.
Variant type: Deletion.
Coding change: c.1115_1121del on transcript NM_001346754.2 (MANE Select); coding-DNA positions 1115 to 1121, 7 bases deleted (CCTTTTG; older notation c.1115_1121delCCTTTTG).
Protein change: p.Ala372fs; shifts the reading frame from alanine 372.
Molecular consequence: frameshift variant.
Genome position (GRCh38, 1-based): chr17:36,538,216-36,538,222, CCTTTTG deleted; deleting any 7 consecutive bases within chr17:36,538,215-36,538,222 gives the same sequence; the c. name uses the placement nearest the transcript's 3' end. VCF-style (leftmost placement, unchanged base first): chr17-36538214-AGCCTTTT-A. GRCh37 (hg19) VCF-style: chr17-34894063-AGCCTTTT-A.
Other names: c.1115_1121del, p.Ala372fs (NM_001346755.2, NM_178517.5); short protein forms A372fs.
Identifiers: ClinVar variation 650414 (VCV000650414.6), dbSNP rs779029016, ClinGen allele CA290116605.

ClinVar aggregate classification (germline): Uncertain significance (1 of 4 stars; one submission).

Conditions:
Hyperphosphatasia with intellectual disability syndrome 5 (GPIBD11). Also called: GLYCOSYLPHOSPHATIDYLINOSITOL BIOSYNTHESIS DEFECT 11. Identifiers: Orphanet 247262, MedGen C4014958, MONDO:0014457, OMIM 616025.

Submission:

Labcorp Genetics (formerly Invitae), Labcorp
Classification: Uncertain significance for Hyperphosphatasia with intellectual disability syndrome 5. Last evaluated: 2021-08-24. Review status: criteria provided, single submitter. Criteria: Invitae Variant Classification Sherloc (09022015). Collection method: clinical testing. Allele origin: germline.
Comment: This sequence change creates a premature translational stop signal (p.Ala372Valfs*4) in the PIGW gene. While this is not anticipated to result in nonsense mediated decay, it is expected to disrupt the last 133 amino acid(s) of the PIGW protein. This variant is present in population databases (rs779029016, ExAC 0.002%). This variant has not been reported in the literature in individuals affected with PIGW-related conditions. Experimental studies and prediction algorithms are not available or were not evaluated, and the functional significance of this variant is currently unknown. In summary, the available evidence is currently insufficient to determine the role of this variant in disease. Therefore, it has been classified as a Variant of Uncertain Significance.